The following is an entry in ClinVar:

ClinVar aggregate classification (germline): Conflicting classifications of pathogenicity. Review status: criteria provided, conflicting classifications (1 of 4 stars). 4 submissions from 4 submitters: Uncertain significance (2); Likely benign (2). Last evaluated 2025-12-29.

Allele frequency attached by ClinVar (database versions not stated): gnomAD 0.00007 and 0.00008; TOPMed 0.00008; gnomAD exomes 0.00011; ExAC 0.00014; 1000 Genomes Project 30x 0.00016; 1000 Genomes Project 0.00020.
gnomAD v4.1: 48 of 1,613,064 alleles (0.003%); highest among the groups gnomAD compares: East Asian, 0.056%; no homozygotes.

Submissions (4):

Labcorp Genetics (formerly Invitae), Labcorp
Classification: Likely benign. Last evaluated: 2025-12-29. Review status: criteria provided, single submitter. Criteria: Invitae Variant Classification Sherloc (09022015). Collection method: clinical testing. Allele origin: germline.

GeneDx
Classification: Uncertain significance. Last evaluated: 2024-12-18. Review status: criteria provided, single submitter. Criteria: GeneDx Variant Classification Process June 2021. Collection method: clinical testing. Allele origin: germline. Affected: yes.
Comment: Identified in the heterozygous state in a patient with sensorineural hearing loss and a family history of hearing loss; however, family members were not tested (PMID: 27911912); In silico analysis supports that this missense variant has a deleterious effect on protein structure/function; This variant is associated with the following publications: (PMID: 27911912)

Blueprint Genetics
Classification: Uncertain significance. Last evaluated: 2024-08-30. Review status: criteria provided, single submitter. Criteria: ACMG Guidelines, 2015. Collection method: clinical testing. Allele origin: germline.

Laboratory for Molecular Medicine, Mass General Brigham Personalized Medicine
Classification: Likely benign. Last evaluated: 2019-02-06. Review status: criteria provided, single submitter. Criteria: LMM Criteria. Collection method: clinical testing. Allele origin: germline. Observed: 2 variant alleles.
Comment: The p.Arg36Trp variant in COL11A2 is classified as likely benign due to a lack of conservation across species. Three mammals (Chinese tree shrew, dolphin, killer whale) carry a tryptophan (Trp) at this position despite high nearby amino acid conservation. In addition, this variant has been identified in 0.126% (25/19838) of East Asian chromosomes by gnomAD. ACMG/AMP criteria applied: BP4_Strong, BS1_Supporting.

Literature cited by the submitters: PubMed 27911912 (cited by Laboratory for Molecular Medicine, Mass General Brigham Personalized Medicine).

NM_080680.3(COL11A2):c.106C>T (p.Arg36Trp)

Gene: COL11A2 (collagen type XI alpha 2 chain; minus strand). Cytogenetic location: 6p21.32.
Variant type: single nucleotide variant.
Coding change: c.106C>T on transcript NM_080680.3 (MANE Select); coding-DNA position 106, C replaced by T.
Protein change: p.Arg36Trp; replaces arginine 36 with tryptophan.
Molecular consequence: missense variant.
Genome position (GRCh38, 1-based): chr6:33,189,446, G>A on the plus strand (C>T on the coding strand, the complement: COL11A2 is on the minus strand). VCF-style: chr6-33189446-G-A. GRCh37 (hg19) VCF-style: chr6-33157223-G-A.
Other names: c.106C>T, p.Arg36Trp (NM_001163771.2, NM_080679.3, NM_080681.3); short protein forms R36W.
Identifiers: ClinVar variation 667101 (VCV000667101.15), dbSNP rs118097056, ClinGen allele CA3751753.